The following is an entry in ClinVar:

NM_003466.4(PAX8):c.673A>C (p.Thr225Pro)

Genes: PAX8 (paired box 8; minus strand), PAX8-AS1 (PAX8 antisense RNA 1; plus strand), LOC126806316 (P300/CBP strongly-dependent group 1 enhancer GRCh37_chr2:113998497-113999696; plus strand). Cytogenetic location: 2q14.1.
Variant type: single nucleotide variant.
Coding change: c.673A>C on transcript NM_003466.4 (MANE Select); coding-DNA position 673, A replaced by C.
Protein change: p.Thr225Pro; replaces threonine 225 with proline.
Molecular consequence: missense variant.
Genome position (GRCh38, 1-based): chr2:113,241,655, T>G on the plus strand (A>C on the coding strand, the complement: PAX8 is on the minus strand). VCF-style: chr2-113241655-T-G. GRCh37 (hg19) VCF-style: chr2-113999232-T-G.
Other names: c.673A>C, p.Thr225Pro (NM_013952.4, NM_013953.4, NM_013992.4); short protein forms T225P.
Identifiers: ClinVar variation 1878900 (VCV001878900.1), dbSNP rs868077682, ClinGen allele CA53722065.

ClinVar aggregate classification (germline): Uncertain significance (1 of 4 stars; one submission).

Allele frequency attached by ClinVar (database versions not stated): gnomAD exomes 0.00002.
gnomAD v4.1: 14 of 1,614,132 alleles (0.00087%); highest among the groups gnomAD compares: Middle Eastern, 0.23%; 1 homozygote.

Submission:

GeneDx
Classification: Uncertain significance. Last evaluated: 2022-07-15. Review status: criteria provided, single submitter. Criteria: GeneDx Variant Classification Process June 2021. Collection method: clinical testing. Allele origin: germline. Affected: yes.
Comment: Not observed at significant frequency in large population cohorts (gnomAD); In silico analysis supports that this missense variant does not alter protein structure/function; Has not been previously published as pathogenic or benign to our knowledge